The following is an entry in ClinVar:

ClinVar aggregate classification (germline): Uncertain significance (1 of 4 stars; one submission).

Conditions:
Gorlin syndrome. Also called: Basal cell nevus syndrome; Nevoid Basal Cell Carcinoma Syndrome. Identifiers: Orphanet 377, MedGen C0004779, MONDO:0007187.

Allele frequency attached by ClinVar (database versions not stated): gnomAD exomes 0.00001; ExAC 0.00002.

Submission:

Labcorp Genetics (formerly Invitae), Labcorp
Classification: Uncertain significance for Gorlin syndrome. Last evaluated: 2024-08-03. Review status: criteria provided, single submitter. Criteria: Invitae Variant Classification Sherloc (09022015). Collection method: clinical testing. Allele origin: germline.
Comment: This sequence change replaces leucine, which is neutral and non-polar, with phenylalanine, which is neutral and non-polar, at codon 404 of the PTCH2 protein (p.Leu404Phe). This variant is present in population databases (rs751689197, gnomAD 0.01%). This variant has not been reported in the literature in individuals affected with PTCH2-related conditions. ClinVar contains an entry for this variant (Variation ID: 2139137). Advanced modeling of protein sequence and biophysical properties (such as structural, functional, and spatial information, amino acid conservation, physicochemical variation, residue mobility, and thermodynamic stability) performed at Invitae indicates that this missense variant is not expected to disrupt PTCH2 protein function with a negative predictive value of 80%. In summary, the available evidence is currently insufficient to determine the role of this variant in disease. Therefore, it has been classified as a Variant of Uncertain Significance.

NM_003738.5(PTCH2):c.1210C>T (p.Leu404Phe)

Gene: PTCH2 (patched 2; minus strand). Cytogenetic location: 1p34.1.
Variant type: single nucleotide variant.
Coding change: c.1210C>T on transcript NM_003738.5 (MANE Select); coding-DNA position 1210, C replaced by T.
Protein change: p.Leu404Phe; replaces leucine 404 with phenylalanine.
Molecular consequence: missense variant.
Genome position (GRCh38, 1-based): chr1:44,829,407, G>A on the plus strand (C>T on the coding strand, the complement: PTCH2 is on the minus strand). VCF-style: chr1-44829407-G-A. GRCh37 (hg19) VCF-style: chr1-45295079-G-A.
Other names: c.1210C>T, p.Leu404Phe (NM_001166292.2); short protein forms L404F.
Identifiers: ClinVar variation 2139137 (VCV002139137.4), dbSNP rs751689197, ClinGen allele CA823397.